The following is an entry in ClinVar:

ClinVar aggregate classification (germline): Pathogenic (1 of 4 stars; one submission).

Submission:

Labcorp Genetics (formerly Invitae), Labcorp
Classification: Pathogenic. Last evaluated: 2024-06-07. Review status: criteria provided, single submitter. Criteria: Invitae Variant Classification Sherloc (09022015). Collection method: clinical testing. Allele origin: germline.
Comment: This sequence change creates a premature translational stop signal (p.Pro613Hisfs*10) in the BMP1 gene. It is expected to result in an absent or disrupted protein product. Loss-of-function variants in BMP1 are known to be pathogenic (PMID: 25656619, 27576954, 28257626). This variant is not present in population databases (gnomAD no frequency). This variant has not been reported in the literature in individuals affected with BMP1-related conditions. For these reasons, this variant has been classified as Pathogenic.

Literature cited by the submitters: PubMed 25656619; PubMed 27576954; PubMed 28257626.

NM_006129.5(BMP1):c.1838_1872del (p.Pro613fs)

Gene: BMP1 (bone morphogenetic protein 1; plus strand). Cytogenetic location: 8p21.3.
Variant type: Deletion.
Coding change: c.1838_1872del on transcript NM_006129.5 (MANE Select); coding-DNA positions 1838 to 1872, 35 bases deleted.
Protein change: p.Pro613fs; shifts the reading frame from proline 613.
Molecular consequence: frameshift variant. On other transcripts: non-coding transcript variant (2).
Genome position (GRCh38, 1-based): chr8:22,196,752-22,196,786, 35 bases deleted; deleting any 35 consecutive bases within chr8:22,196,747-22,196,786 gives the same sequence; the c. name uses the placement nearest the transcript's 3' end. GRCh37 (hg19): chr8:22,054,265-22,054,299.
Other names: c.1838_1872del, p.Pro613fs (NM_001199.4); short protein forms P613fs.
Identifiers: ClinVar variation 3652773 (VCV003652773.2).
Genomic context (GRCh38, chr8:22,196,746, plus strand): 5'-GTGGCGGATTCCTCACCAAGCTCAACGGCTCCATCACCAGCCCGGGCTGGCCCAAGGAGT[ACCCCCCCAACAAGAACTGCATCTGGCAGCTGGTGG>A]CCCCCACCCAGTACCGCATCTCCCTGCAGTTTGACTTCTTTGAGACAGAGGGCAATGATG-3'